The following is an entry in ClinVar:

ClinVar aggregate classification (germline): Uncertain significance. Review status: criteria provided, multiple submitters, no conflicts (2 of 4 stars). 2 submissions from 2 submitters: Uncertain significance (2). Last evaluated 2025-11-19.

Conditions:
Myopathy, tubular aggregate, 2 (TAM2). Identifiers: MedGen C4014557, MONDO:0014383, OMIM 615883.
Combined immunodeficiency due to ORAI1 deficiency. Also called: IMMUNODEFICIENCY 9. Identifiers: Orphanet 169090, Orphanet 317428, MedGen C2748568, MONDO:0013007, OMIM 612782.

Submissions (2):

Women's Health and Genetics/Laboratory Corporation of America, LabCorp
Classification: Uncertain significance. Last evaluated: 2025-11-19. Review status: criteria provided, single submitter. Criteria: LabCorp Variant Classification Summary - May 2015. Collection method: clinical testing. Allele origin: germline.
Comment: Variant summary: ORAI1 c.21_25dupGCCCC (p.Pro9ArgfsX59) results in a premature termination codon, predicted to cause a truncation of the encoded protein or absence of the protein due to nonsense mediated decay, however current evidence is not sufficient to establish loss of function as a mechanism for disease. The variant was absent in 28386 control chromosomes. The available data on variant occurrences in the general population are insufficient to allow any conclusion about variant significance. To our knowledge, no occurrence of c.21_25dupGCCCC in individuals affected with ORAI1-related conditions and no experimental evidence demonstrating its impact on protein function have been reported. ClinVar contains an entry for this variant (Variation ID: 1938672). Based on the evidence outlined above, the variant was classified as uncertain significance.

Labcorp Genetics (formerly Invitae), Labcorp
Classification: Uncertain significance for Myopathy, tubular aggregate, 2; Combined immunodeficiency due to ORAI1 deficiency. Last evaluated: 2025-11-06. Review status: criteria provided, single submitter. Criteria: Invitae Variant Classification Sherloc (09022015). Collection method: clinical testing. Allele origin: germline.
Comment: This sequence change creates a premature translational stop signal (p.Pro9Argfs*57) in the ORAI1 gene. It is expected to result in an absent or disrupted protein product. However, the current clinical and genetic evidence is not sufficient to establish whether loss-of-function variants in ORAI1 cause disease. The frequency data for this variant in the population databases is considered unreliable, as metrics indicate insufficient coverage at this position in the gnomAD database. This variant has not been reported in the literature in individuals affected with ORAI1-related conditions. ClinVar contains an entry for this variant (Variation ID: 1938672). In summary, the available evidence is currently insufficient to determine the role of this variant in disease. Therefore, it has been classified as a Variant of Uncertain Significance.

NM_032790.4(ORAI1):c.16_20GCCCC[3] (p.Pro9Argfs)

Genes: ORAI1 (ORAI calcium release-activated calcium modulator 1; plus strand), LOC130008987 (ATAC-STARR-seq lymphoblastoid silent region 4981; plus strand). Cytogenetic location: 12q24.31.
Variant type: Microsatellite.
Coding change: c.16_20GCCCC[3] on transcript NM_032790.4 (MANE Select).
Protein change: p.Pro9Argfs; shifts the reading frame from proline 9.
Genome position: GRCh38 VCF-style: chr12-121626754-G-GCCCGC. GRCh37 (hg19) VCF-style: chr12-122064659-G-GCCCGC.
Other names: c.21_25dupGCCCC (NM_032790.3); short protein forms P9fs.
Identifiers: ClinVar variation 1938672 (VCV001938672.6), dbSNP rs1181349681, ClinGen allele CA482166897.
Genomic context (GRCh38, chr12:121,626,754, plus strand): 5'-GAGGTGCCTCGCGGCGCCCGGGCCGGCCCGCGCCTCGGCGGCGTGCTCCATGCATCCGGA[G>GCCCGC]CCCGCCCCGCCCCCGAGCCGCAGCAGTCCCGAGCTTCCCCCAAGCGGCGGCAGCACCACC-3'